The following is an entry in ClinVar:

NM_001130009.3(GEN1):c.986A>G (p.His329Arg)

Gene: GEN1 (GEN1 structure-specific endonuclease; plus strand). Cytogenetic location: 2p24.2.
Variant type: single nucleotide variant.
Coding change: c.986A>G on transcript NM_001130009.3 (MANE Select); coding-DNA position 986, A replaced by G.
Protein change: p.His329Arg; replaces histidine 329 with arginine.
Molecular consequence: missense variant.
Genome position (GRCh38, 1-based): chr2:17,773,128, A>G. VCF-style: chr2-17773128-A-G. GRCh37 (hg19) VCF-style: chr2-17954395-A-G.
Other names: c.986A>G, p.His329Arg (NM_182625.5); short protein forms H329R.
Identifiers: ClinVar variation 2178054 (VCV002178054.4), dbSNP rs1414091279, ClinGen allele CA345918092.

ClinVar aggregate classification (germline): Uncertain significance (1 of 4 stars; one submission).

gnomAD v4.1: 5 of 1,582,596 alleles (0.00032%); highest among the groups gnomAD compares: Admixed American, 0.0017%; no homozygotes.

Submission:

Labcorp Genetics (formerly Invitae), Labcorp
Classification: Uncertain significance. Last evaluated: 2025-08-15. Review status: criteria provided, single submitter. Criteria: Invitae Variant Classification Sherloc (09022015). Collection method: clinical testing. Allele origin: germline.
Comment: This sequence change replaces histidine, which is basic and polar, with arginine, which is basic and polar, at codon 329 of the GEN1 protein (p.His329Arg). This variant is not present in population databases (gnomAD no frequency). This variant has not been reported in the literature in individuals affected with GEN1-related conditions. ClinVar contains an entry for this variant (Variation ID: 2178054). An algorithm developed to predict the effect of missense changes on protein structure and function (PolyPhen-2) suggests that this variant is likely to be tolerated. In summary, the available evidence is currently insufficient to determine the role of this variant in disease. Therefore, it has been classified as a Variant of Uncertain Significance.